The following is an entry in ClinVar:

NM_001270508.2(TNFAIP3):c.1035C>A (p.Tyr345Ter)

Gene: TNFAIP3 (TNF alpha induced protein 3; plus strand). Cytogenetic location: 6q23.3.
Variant type: single nucleotide variant.
Coding change: c.1035C>A on transcript NM_001270508.2 (MANE Select); coding-DNA position 1035, C replaced by A.
Protein change: p.Tyr345Ter; replaces tyrosine 345 with a stop codon.
Molecular consequence: nonsense.
Genome position (GRCh38, 1-based): chr6:137,878,480, C>A. VCF-style: chr6-137878480-C-A. GRCh37 (hg19) VCF-style: chr6-138199617-C-A.
Other names: c.1035C>A, p.Tyr345Ter (NM_001270507.2, NM_006290.4); short protein forms Y345*.
Identifiers: ClinVar variation 1683561 (VCV001683561.2), dbSNP rs2114496422, ClinGen allele CA365788217.
Genomic context (GRCh38, chr6:137,878,480, plus strand): 5'-TTTGGTCTTCAGGTTGGATGAAGCTAACTTACCAAAAGAAATCAATCTGGTAGATGATTA[C>A]TTTGAACTTGTTCAGCATGAGTACAAGAAATGGCAGGAAAACAGCGAGCAGGGGAGGAGA-3'

ClinVar aggregate classification (germline): Likely pathogenic (1 of 4 stars; one submission).

Conditions:
Autoinflammatory syndrome, familial, Behcet-like. Identifiers: MedGen CN234876, MONDO:0031384.

Submission:

Laboratorio de Genetica e Diagnostico Molecular, Hospital Israelita Albert Einstein
Classification: Likely pathogenic for Autoinflammatory syndrome, familial, Behcet-like 1. Last evaluated: 2021-12-29. Review status: criteria provided, single submitter. Criteria: ACMG Guidelines, 2015. Collection method: clinical testing. Allele origin: germline. Affected: yes.
Comment: ACMG classification criteria: PVS1 very strong, PM2 moderate